The following is an entry in ClinVar:

ClinVar aggregate classification (germline): Likely benign. Review status: criteria provided, multiple submitters, no conflicts (2 of 4 stars). 2 submissions from 2 submitters: Likely benign (2). Last evaluated 2025-01-29.

Conditions:
Hereditary breast ovarian cancer syndrome. Also called: Hereditary breast and ovarian cancer; Hereditary breast and ovarian cancer syndrome (HBOC); Breast and ovarian cancer; Hereditary breast and/or ovarian cancer syndrome; BRCA1- and BRCA2-Associated Hereditary Breast and Ovarian Cancer; Hereditary breast and ovarian cancer syndrome. Identifiers: Orphanet 145, MedGen C0677776, MeSH D061325, MONDO:0003582. Disease mechanism: loss of function.
Hereditary cancer-predisposing syndrome. Also called: Neoplastic Syndromes, Hereditary; Tumor predisposition; Hereditary Cancer Syndrome; Hereditary neoplastic syndrome. Identifiers: Orphanet 140162, MedGen C0027672, MeSH D009386, MONDO:0015356.

Submissions (3):

Labcorp Genetics (formerly Invitae), Labcorp
Classification: Likely benign for Hereditary breast ovarian cancer syndrome. Last evaluated: 2025-01-29. Review status: criteria provided, single submitter. Criteria: Invitae Variant Classification Sherloc (09022015). Collection method: clinical testing. Allele origin: germline.

Color Diagnostics, LLC DBA Color Health
Classification: Likely benign for Hereditary cancer-predisposing syndrome. Last evaluated: 2024-07-09. Review status: criteria provided, single submitter. Criteria: ACMG Guidelines, 2015. Collection method: clinical testing. Allele origin: germline.

Brotman Baty Institute, University of Washington
No classification provided (evidence only). Condition: Breast-ovarian cancer, familial 1. Review status: no classification provided. Collection method: in vitro. Allele origin: not applicable. Functional consequence: functionally_normal. Not counted in ClinVar's aggregate classification.
ClinVar note: "not provided" was previously submitted as the classification for the variant. However, the classification appeared to be based only on an observation of functional data so it was converted to no classification on 2025-07-30.

NM_007294.4(BRCA1):c.5278-14C>T

Gene: BRCA1 (BRCA1 DNA repair associated; minus strand). Cytogenetic location: 17q21.31.
Variant type: single nucleotide variant.
Coding change: c.5278-14C>T on transcript NM_007294.4 (MANE Select); 14 bases into the intron before coding-DNA position 5278, C replaced by T.
Molecular consequence: intron variant.
Genome position (GRCh38, 1-based): chr17:43,051,131, G>A on the plus strand (C>T on the coding strand, the complement: BRCA1 is on the minus strand). VCF-style: chr17-43051131-G-A. GRCh37 (hg19) VCF-style: chr17-41203148-G-A.
Other names: c.5275-14C>T (NM_001407622.1, NM_001407860.1, NM_001407611.1 and 17 more transcripts); c.5278-14C>T (NM_001407602.1, NM_001407597.1, NM_001407605.1 and 6 more transcripts); c.5341-14C>T (NM_001407585.1, NM_007300.4, NM_001407583.1 and 1 more transcripts); c.5008-14C>T (NM_001407936.1, NM_001407934.1, NM_001407935.1); c.5131-14C>T (NM_001407849.1, NM_001407845.1, NM_001407852.1 and 12 more transcripts); c.5134-14C>T (NM_001407744.1, NM_001407750.1, NM_001407732.1 and 21 more transcripts); c.1705-14C>T (NM_001408496.1, NM_001408499.1, NM_001408498.1 and 3 more transcripts); c.5011-14C>T (NM_001407929.1, NM_001407930.1, NM_001407933.1 and 4 more transcripts); and 74 more.
Identifiers: ClinVar variation 867938 (VCV000867938.6), dbSNP rs80358105, ClinGen allele CA916081081.
Genomic context (GRCh38, chr17:43,051,131, plus strand): 5'-ATGTTGGTGAAGGGCCCATAGCAACAGATTTCTAGCCCCCTGAAGATCTGGAAGAAGAGA[G>A]GAAGAGAGAGGGACAGGGGAATGGAGAGAAGGAAAATCTAGTTATAAAAGAATATTGGCT-3'